The following is an entry in ClinVar:

NM_004525.3(LRP2):c.11699A>G (p.His3900Arg)

Gene: LRP2 (LDL receptor related protein 2; minus strand). Cytogenetic location: 2q31.1.
Variant type: single nucleotide variant.
Coding change: c.11699A>G on transcript NM_004525.3 (MANE Select); coding-DNA position 11699, A replaced by G.
Protein change: p.His3900Arg; replaces histidine 3900 with arginine.
Molecular consequence: missense variant.
Genome position (GRCh38, 1-based): chr2:169,165,991, T>C on the plus strand (A>G on the coding strand, the complement: LRP2 is on the minus strand). VCF-style: chr2-169165991-T-C. GRCh37 (hg19) VCF-style: chr2-170022501-T-C.
Other names: short protein forms H3900R.
Identifiers: ClinVar variation 1972636 (VCV001972636.4), dbSNP rs1157571104, ClinGen allele CA349140255.

ClinVar aggregate classification (germline): Uncertain significance. Review status: criteria provided, multiple submitters, no conflicts (2 of 4 stars). 2 submissions from 2 submitters: Uncertain significance (2). Last evaluated 2024-02-06.

Conditions:
Donnai-Barrow syndrome. Also called: DBS/FOAR SYNDROME; FACIOOCULOACOUSTICORENAL SYNDROME. Identifiers: Orphanet 2143, MedGen C1857277, MONDO:0009104, OMIM 222448.

Allele frequency attached by ClinVar (database versions not stated): gnomAD exomes below 0.00001.
gnomAD v4.1: 1 of 1,614,060 alleles (0.000062%); highest among the groups gnomAD compares: Admixed American, 0.0017%; no homozygotes.

Submissions (2):

Fulgent Genetics
Classification: Uncertain significance for Donnai-Barrow syndrome. Last evaluated: 2024-02-06. Review status: criteria provided, single submitter. Criteria: ACMG Guidelines, 2015. Collection method: clinical testing. Allele origin: germline.

Labcorp Genetics (formerly Invitae), Labcorp
Classification: Uncertain significance. Last evaluated: 2023-10-22. Review status: criteria provided, single submitter. Criteria: Invitae Variant Classification Sherloc (09022015). Collection method: clinical testing. Allele origin: germline.
Comment: This sequence change replaces histidine, which is basic and polar, with arginine, which is basic and polar, at codon 3900 of the LRP2 protein (p.His3900Arg). This variant is present in population databases (no rsID available, gnomAD 0.003%). This variant has not been reported in the literature in individuals affected with LRP2-related conditions. ClinVar contains an entry for this variant (Variation ID: 1972636). Advanced modeling of protein sequence and biophysical properties (such as structural, functional, and spatial information, amino acid conservation, physicochemical variation, residue mobility, and thermodynamic stability) performed at Invitae indicates that this missense variant is not expected to disrupt LRP2 protein function. In summary, the available evidence is currently insufficient to determine the role of this variant in disease. Therefore, it has been classified as a Variant of Uncertain Significance.